The following is an entry in ClinVar:

ClinVar aggregate classification (germline): Pathogenic/Likely pathogenic. Review status: criteria provided, multiple submitters, no conflicts (2 of 4 stars). 2 submissions from 2 submitters: Pathogenic (1); Likely pathogenic (1). Last evaluated 2023-06-19.

Conditions:
Hemochromatosis type 3 (HFE3). Also called: HEMOCHROMATOSIS DUE TO DEFECT IN TRANSFERRIN RECEPTOR 2; TFR2-Related Hemochromatosis; Hereditary hemochromatosis type 3. Identifiers: Orphanet 225123, MedGen C1858664, MONDO:0011417, OMIM 604250.
Hereditary hemochromatosis (HFE). Identifiers: MedGen C0392514, MONDO:0006507. Disease mechanism: loss of function.

Submissions (2):

Baylor Genetics
Classification: Likely pathogenic for Hemochromatosis type 3. Last evaluated: 2023-06-19. Review status: criteria provided, single submitter. Criteria: ACMG Guidelines, 2015. Collection method: clinical testing. Allele origin: unknown.

Labcorp Genetics (formerly Invitae), Labcorp
Classification: Pathogenic for Hereditary hemochromatosis. Last evaluated: 2022-05-14. Review status: criteria provided, single submitter. Criteria: Invitae Variant Classification Sherloc (09022015). Collection method: clinical testing. Allele origin: germline.
Comment: This sequence change creates a premature translational stop signal (p.Gln20*) in the TFR2 gene. It is expected to result in an absent or disrupted protein product. Loss-of-function variants in TFR2 are known to be pathogenic (PMID: 23600741, 26029709). This variant is not present in population databases (gnomAD no frequency). For these reasons, this variant has been classified as Pathogenic. This variant has not been reported in the literature in individuals affected with TFR2-related conditions.

Literature cited by the submitters: PubMed 23600741 (cited by Labcorp Genetics (formerly Invitae), Labcorp); PubMed 26029709 (cited by Labcorp Genetics (formerly Invitae), Labcorp).

NM_003227.4(TFR2):c.58C>T (p.Gln20Ter)

Gene: TFR2 (transferrin receptor 2; minus strand). Cytogenetic location: 7q22.1.
Variant type: single nucleotide variant.
Coding change: c.58C>T on transcript NM_003227.4 (MANE Select); coding-DNA position 58, C replaced by T.
Protein change: p.Gln20Ter; replaces glutamine 20 with a stop codon.
Molecular consequence: nonsense.
Genome position (GRCh38, 1-based): chr7:100,641,204, G>A on the plus strand (C>T on the coding strand, the complement: TFR2 is on the minus strand). VCF-style: chr7-100641204-G-A. GRCh37 (hg19) VCF-style: chr7-100238827-G-A.
Other names: short protein forms Q20*.
Identifiers: ClinVar variation 1994247 (VCV001994247.5), dbSNP rs2486147926, ClinGen allele CA368538639.